The following is an entry in ClinVar:

ClinVar aggregate classification (germline): Conflicting classifications of pathogenicity. Review status: criteria provided, conflicting classifications (1 of 4 stars). 6 submissions from 6 submitters: Uncertain significance (2); Benign (1); Likely benign (2). 1 of the submissions does not count toward it. Last evaluated 2025-12-24.

Conditions:
Primary ciliary dyskinesia. Also called: Ciliary dyskinesia. Identifiers: Orphanet 244, MedGen C0008780, MONDO:0016575, HP:0012265.

Allele frequency attached by ClinVar (database versions not stated): ESP Exome Variant Server 0.00177; gnomAD exomes 0.00029; ExAC 0.00039; 1000 Genomes Project 0.00100; 1000 Genomes Project 30x 0.00109; gnomAD 0.00113 and 0.00120; TOPMed 0.00125.
gnomAD v4.1: 320 of 1,613,880 alleles (0.02%); highest among the groups gnomAD compares: African/African-American, 0.36%; 1 homozygote.

Submissions (6):

Labcorp Genetics (formerly Invitae), Labcorp
Classification: Likely benign for Primary ciliary dyskinesia. Last evaluated: 2025-12-24. Review status: criteria provided, single submitter. Criteria: Invitae Variant Classification Sherloc (09022015). Collection method: clinical testing. Allele origin: germline.

GeneDx
Classification: Uncertain significance. Last evaluated: 2024-10-15. Review status: criteria provided, single submitter. Criteria: GeneDx Variant Classification Process June 2021. Collection method: clinical testing. Allele origin: germline.
Comment: In silico analysis supports that this missense variant has a deleterious effect on protein structure/function; Has not been previously published as pathogenic or benign to our knowledge

Ambry Genetics
Classification: Benign for Primary ciliary dyskinesia. Last evaluated: 2017-02-28. Review status: criteria provided, single submitter. Criteria: Ambry Variant Classification Scheme 2023. Collection method: clinical testing. Allele origin: germline.

Eurofins Ntd Llc (ga)
Classification: Uncertain significance. Last evaluated: 2014-10-31. Review status: criteria provided, single submitter. Criteria: EGL Classification Definitions 2015. Collection method: clinical testing. Allele origin: germline. Observed: 2 variant alleles, 2 heterozygotes.

PreventionGenetics, part of Exact Sciences
Classification: Likely benign. Review status: criteria provided, single submitter. Criteria: ACMG Guidelines, 2015. Collection method: clinical testing. Allele origin: germline.

Natera, Inc.
Classification: Uncertain significance for Primary ciliary dyskinesia. Last evaluated: 2020-01-17. Review status: no assertion criteria provided. Collection method: clinical testing. Allele origin: germline. Not counted in ClinVar's aggregate classification.

NM_001369.3(DNAH5):c.3775G>A (p.Ala1259Thr)

Genes: DNAH5 (dynein axonemal heavy chain 5; minus strand), DNAH5-AS1 (DNAH5 antisense RNA 1; plus strand). Cytogenetic location: 5p15.2.
Variant type: single nucleotide variant.
Coding change: c.3775G>A on transcript NM_001369.3 (MANE Select); coding-DNA position 3775, G replaced by A.
Protein change: p.Ala1259Thr; replaces alanine 1259 with threonine.
Molecular consequence: missense variant.
Genome position (GRCh38, 1-based): chr5:13,870,826, C>T on the plus strand (G>A on the coding strand, the complement: DNAH5 is on the minus strand). VCF-style: chr5-13870826-C-T. GRCh37 (hg19) VCF-style: chr5-13870935-C-T.
Other names: short protein forms A1259T.
Identifiers: ClinVar variation 195809 (VCV000195809.22), dbSNP rs112217391, ClinGen allele CA242431.